The following is an entry in ClinVar:

NM_001136035.4(TRMT1):c.1053C>T (p.Cys351=)

Gene: TRMT1 (tRNA methyltransferase 1; minus strand). Cytogenetic location: 19p13.13.
Variant type: single nucleotide variant.
Coding change: c.1053C>T on transcript NM_001136035.4 (MANE Select); coding-DNA position 1053, C replaced by T.
Protein change: p.Cys351=; no amino-acid change (cysteine 351 retained).
Molecular consequence: synonymous variant. On other transcripts: intron variant (2).
Genome position (GRCh38, 1-based): chr19:13,109,968, G>A on the plus strand (C>T on the coding strand, the complement: TRMT1 is on the minus strand). VCF-style: chr19-13109968-G-A. GRCh37 (hg19) VCF-style: chr19-13220782-G-A.
Other names: c.945C>T, p.Cys315= (NM_001351761.2); c.270C>T, p.Cys90= (NM_001351762.2); c.1053C>T, p.Cys351= (NM_017722.5); c.1020-130C>T (NM_001351760.2, NM_001142554.3).
Identifiers: ClinVar variation 3025426 (VCV003025426.22), dbSNP rs139341662, ClinGen allele CA9237798.

ClinVar aggregate classification (germline): Likely benign (1 of 4 stars; one submission).

Allele frequency attached by ClinVar (database versions not stated): gnomAD 0.00004; ExAC 0.00007; TOPMed 0.00008; ESP Exome Variant Server 0.00031.
gnomAD v4.1: 86 of 1,613,492 alleles (0.0053%); highest among the groups gnomAD compares: Admixed American, 0.01%; 1 homozygote.

Submission:

CeGaT Center for Human Genetics Tuebingen
Classification: Likely benign. Last evaluated: 2025-10-01. Review status: criteria provided, single submitter. Criteria: CeGaT Center For Human Genetics Tuebingen Variant Classification Criteria Version 2. Collection method: clinical testing. Allele origin: germline. Affected: yes. Observed: 2 variant alleles.
Comment: TRMT1: BP4, BP7